The following is an entry in ClinVar:

ClinVar aggregate classification (germline): Uncertain significance (1 of 4 stars; one submission).

Conditions:
Pulmonary fibrosis and/or bone marrow failure, Telomere-related, 4. Also called: PULMONARY FIBROSIS AND/OR BONE MARROW FAILURE SYNDROME, TELOMERE-RELATED, 4. Identifiers: Orphanet 2032, MedGen C4225347, MONDO:0014612, OMIM 616371.
Dyskeratosis congenita, autosomal recessive 6 (DKCB6). Identifiers: MedGen C4225356, MONDO:0014600, OMIM 616353.

Submission:

Labcorp Genetics (formerly Invitae), Labcorp
Classification: Uncertain significance for Dyskeratosis congenita, autosomal recessive 6; Pulmonary fibrosis and/or bone marrow failure, Telomere-related, 4. Last evaluated: 2022-08-31. Review status: criteria provided, single submitter. Criteria: Invitae Variant Classification Sherloc (09022015). Collection method: clinical testing. Allele origin: germline.
Comment: This sequence change replaces glutamic acid, which is acidic and polar, with glycine, which is neutral and non-polar, at codon 599 of the PARN protein (p.Glu599Gly). In summary, the available evidence is currently insufficient to determine the role of this variant in disease. Therefore, it has been classified as a Variant of Uncertain Significance. Algorithms developed to predict the effect of missense changes on protein structure and function (SIFT, PolyPhen-2, Align-GVGD) all suggest that this variant is likely to be tolerated. ClinVar contains an entry for this variant (Variation ID: 1471385). This variant has not been reported in the literature in individuals affected with PARN-related conditions. This variant is not present in population databases (gnomAD no frequency).

NM_002582.4(PARN):c.1796A>G (p.Glu599Gly)

Gene: PARN (poly(A)-specific ribonuclease; minus strand). Cytogenetic location: 16p13.12.
Variant type: single nucleotide variant.
Coding change: c.1796A>G on transcript NM_002582.4 (MANE Select); coding-DNA position 1796, A replaced by G.
Protein change: p.Glu599Gly; replaces glutamic acid 599 with glycine.
Molecular consequence: missense variant.
Genome position (GRCh38, 1-based): chr16:14,446,956, T>C on the plus strand (A>G on the coding strand, the complement: PARN is on the minus strand). VCF-style: chr16-14446956-T-C. GRCh37 (hg19) VCF-style: chr16-14540813-T-C.
Other names: c.1613A>G, p.Glu538Gly (NM_001134477.3); c.1658A>G, p.Glu553Gly (NM_001242992.2); short protein forms E599G, E553G, E538G.
Identifiers: ClinVar variation 1471385 (VCV001471385.8), dbSNP rs2151556910, ClinGen allele CA395184353.